The following is an entry in ClinVar:

ClinVar aggregate classification (germline): Likely benign. Review status: criteria provided, multiple submitters, no conflicts (2 of 4 stars). 2 submissions from 2 submitters: Likely benign (2). Last evaluated 2026-03-27.

Conditions:
Catecholaminergic polymorphic ventricular tachycardia 1. Also called: VENTRICULAR TACHYCARDIA, CATECHOLAMINERGIC POLYMORPHIC, 1, WITH OR WITHOUT ATRIAL DYSFUNCTION AND/OR DILATED CARDIOMYOPATHY; VENTRICULAR TACHYCARDIA, STRESS-INDUCED POLYMORPHIC 1; RYR2-Related Catecholaminergic Polymorphic Ventricular Tachycardia. Identifiers: Orphanet 3286, MedGen C1631597, MONDO:0011484, OMIM 604772.

Submissions (2):

Molecular Diagnostic Laboratory for Inherited Cardiovascular Disease, Montreal Heart Institute
Classification: Likely benign. Last evaluated: 2026-03-27. Review status: criteria provided, single submitter. Criteria: ACMG Guidelines, 2015. Collection method: clinical testing. Allele origin: germline. Affected: no.
Comment: BS1

Labcorp Genetics (formerly Invitae), Labcorp
Classification: Likely benign for Catecholaminergic polymorphic ventricular tachycardia 1. Last evaluated: 2026-01-25. Review status: criteria provided, single submitter. Criteria: Invitae Variant Classification Sherloc (09022015). Collection method: clinical testing. Allele origin: germline.

NM_001035.3(RYR2):c.309+9_309+13del

Gene: RYR2 (ryanodine receptor 2; plus strand). Cytogenetic location: 1q43.
Variant type: Deletion.
Coding change: c.309+9_309+13del on transcript NM_001035.3 (MANE Select); bases 9 to 13 of the intron after coding-DNA position 309, 5 bases deleted (TCTTA; older notation c.309+9_309+13delTCTTA).
Molecular consequence: intron variant.
Genome position (GRCh38, 1-based): chr1:237,364,381-237,364,385, TCTTA deleted; deleting any 5 consecutive bases within chr1:237,364,380-237,364,385 gives the same sequence; the c. name uses the placement nearest the transcript's 3' end. VCF-style (leftmost placement, unchanged base first): chr1-237364379-CATCTT-C. GRCh37 (hg19) VCF-style: chr1-237527679-CATCTT-C.
Other names: c.309+9_309+13del (NM_001035.2).
Identifiers: ClinVar variation 412825 (VCV000412825.14), dbSNP rs779631412, ClinGen allele CA086300.
Genomic context (GRCh38, chr1:237,364,379, plus strand): 5'-CTATTTAATGTTTCCTCTCTTTTCCTTATGCCCCTACAGAAATTCATGATGAAGGTAAGA[CATCTT>C]AATATATATGCTATGTATATATATAGCAGATATATTACTATATATGGATTATATATGTAT-3'